The following is an entry in ClinVar:

NM_022132.5(MCCC2):c.1275G>A (p.Met425Ile)

Gene: MCCC2 (methylcrotonyl-CoA carboxylase subunit 2; plus strand). Cytogenetic location: 5q13.2.
Variant type: single nucleotide variant.
Coding change: c.1275G>A on transcript NM_022132.5 (MANE Select); coding-DNA position 1275, G replaced by A.
Protein change: p.Met425Ile; replaces methionine 425 with isoleucine.
Molecular consequence: missense variant.
Genome position (GRCh38, 1-based): chr5:71,649,155, G>A. VCF-style: chr5-71649155-G-A. GRCh37 (hg19) VCF-style: chr5-70944982-G-A.
Other names: c.1161G>A, p.Met387Ile (NM_001363147.1); short protein forms M387I, M425I.
Identifiers: ClinVar variation 935130 (VCV000935130.9), dbSNP rs1747359594, ClinGen allele CA359997226.

ClinVar aggregate classification (germline): Uncertain significance (1 of 4 stars; one submission).

Conditions:
3-methylcrotonyl-CoA carboxylase 2 deficiency. Also called: 3 alpha methylcrotonyl-CoA carboxylase 2 deficiency; 3 alpha methylcrotonylglycinuria 2; MCC 2 deficiency; Methylcrotonylglycinuria type 2; METHYLCROTONYLGLYCINURIA, TYPE II. Identifiers: Orphanet 6, MedGen C1859499, MONDO:0008862, OMIM 210210.

Submission:

Labcorp Genetics (formerly Invitae), Labcorp
Classification: Uncertain significance for 3-methylcrotonyl-CoA carboxylase 2 deficiency. Last evaluated: 2019-09-19. Review status: criteria provided, single submitter. Criteria: Invitae Variant Classification Sherloc (09022015). Collection method: clinical testing. Allele origin: germline.
Comment: In summary, the available evidence is currently insufficient to determine the role of this variant in disease. Therefore, it has been classified as a Variant of Uncertain Significance. Algorithms developed to predict the effect of missense changes on protein structure and function are either unavailable or do not agree on the potential impact of this missense change (SIFT: "Tolerated"; PolyPhen-2: "Possibly Damaging"; Align-GVGD: "Class C0"). This variant has not been reported in the literature in individuals with MCCC2-related conditions. This variant is not present in population databases (ExAC no frequency). This sequence change replaces methionine with isoleucine at codon 425 of the MCCC2 protein (p.Met425Ile). The methionine residue is highly conserved and there is a small physicochemical difference between methionine and isoleucine.